The following is an entry in ClinVar:

NM_001291415.2(KDM6A):c.2731A>C (p.Met911Leu)

Gene: KDM6A (lysine demethylase 6A; plus strand). Cytogenetic location: Xp11.3.
Variant type: single nucleotide variant.
Coding change: c.2731A>C on transcript NM_001291415.2 (MANE Select); coding-DNA position 2731, A replaced by C.
Protein change: p.Met911Leu; replaces methionine 911 with leucine.
Molecular consequence: missense variant. On other transcripts: non-coding transcript variant (1).
Genome position (GRCh38, 1-based): chrX:45,070,230, A>C. VCF-style: chrX-45070230-A-C. GRCh37 (hg19) VCF-style: chrX-44929475-A-C.
Other names: c.2596A>C, p.Met866Leu (NM_001291416.2, NM_001419811.1); c.2440A>C, p.Met814Leu (NM_001291417.2); c.2338A>C, p.Met780Leu (NM_001291418.2, NM_001419815.1); c.1687A>C, p.Met563Leu (NM_001291421.2); c.2473A>C, p.Met825Leu (NM_001410742.1, NM_001419814.1); c.2731A>C, p.Met911Leu (NM_001419809.1); c.2629A>C, p.Met877Leu (NM_001419810.1, NM_001419813.1); c.2575A>C, p.Met859Leu (NM_001419812.1, NM_021140.4); short protein forms M814L, M825L, M866L, M780L, M877L, M911L, M563L, M859L.
Identifiers: ClinVar variation 2804334 (VCV002804334.4), dbSNP rs1278570044, ClinGen allele CA412795639.
Genomic context (GRCh38, chrX:45,070,230, plus strand): 5'-AACAGTGTTACCAGCCTTAACAGCCCTCACAGTGGGCTACACACAATTAATGGAGAAGGG[A>C]TGGAAGAATCTCAGAGCCCCATGAAAACAGATCTGCTTCTGGTTAACCACAAACCTAGTC-3'
Protein context (NP_001278344.1, residues 901-921): SGLHTINGEG[Met911Leu]EESQSPMKTD

ClinVar aggregate classification (germline): Uncertain significance. Review status: criteria provided, multiple submitters, no conflicts (2 of 4 stars). 2 submissions from 2 submitters: Uncertain significance (2). Last evaluated 2023-11-27.

Conditions:
Kabuki syndrome 2 (KABUK2). Also called: KDM6A-Related Kabuki Syndrome. Identifiers: Orphanet 2322, MedGen C3275495, MONDO:0010465, OMIM 300867.

Allele frequency attached by ClinVar (database versions not stated): TOPMed below 0.00001; gnomAD exomes 0.00001.
gnomAD v4.1: 16 of 1,210,804 alleles (0.0013%); highest among the groups gnomAD compares: Non-Finnish European, 0.0017%; no homozygotes.

Submissions (2):

Labcorp Genetics (formerly Invitae), Labcorp
Classification: Uncertain significance for Kabuki syndrome 2. Last evaluated: 2023-11-27. Review status: criteria provided, single submitter. Criteria: Invitae Variant Classification Sherloc (09022015). Collection method: clinical testing. Allele origin: germline.
Comment: This sequence change replaces methionine, which is neutral and non-polar, with leucine, which is neutral and non-polar, at codon 859 of the KDM6A protein (p.Met859Leu). This variant is not present in population databases (gnomAD no frequency). This variant has not been reported in the literature in individuals affected with KDM6A-related conditions. Advanced modeling of protein sequence and biophysical properties (such as structural, functional, and spatial information, amino acid conservation, physicochemical variation, residue mobility, and thermodynamic stability) performed at Invitae indicates that this missense variant is not expected to disrupt KDM6A protein function with a negative predictive value of 80%. In summary, the available evidence is currently insufficient to determine the role of this variant in disease. Therefore, it has been classified as a Variant of Uncertain Significance.

Blueprint Genetics
Classification: Uncertain significance. Last evaluated: 2021-11-22. Review status: criteria provided, single submitter. Criteria: ACMG Guidelines, 2015. Collection method: clinical testing. Allele origin: germline.